The following is an entry in ClinVar:

ClinVar aggregate classification (germline): Pathogenic. Review status: criteria provided, multiple submitters, no conflicts (2 of 4 stars). 4 submissions from 4 submitters: Pathogenic (3). 1 of the submissions does not count toward it. Last evaluated 2024-04-22.

Conditions:
Familial hemophagocytic lymphohistiocytosis 2 (FHL2). Also called: PRF1-Related Familial Hemophagocytic Lymphohistiocytosis (PRF1-fHLH). Identifiers: Orphanet 540, MedGen C1863727, MONDO:0011337, OMIM 603553.
Aplastic anemia. Identifiers: Orphanet 182040, Orphanet 88, MedGen C0002874, MONDO:0015909, OMIM 609135, HP:0001915.
Lymphoma, non-Hodgkin, familial. Identifiers: MedGen C4721532, MONDO:0011508, OMIM 605027.
PRF1-related disorder. Also called: PRF1-related condition.

Allele frequency attached by ClinVar (database versions not stated): gnomAD exomes below 0.00001; ExAC 0.00001; TOPMed 0.00001.

Submissions (4):

Fulgent Genetics
Classification: Pathogenic for Familial hemophagocytic lymphohistiocytosis 2; Lymphoma, non-Hodgkin, familial; Aplastic anemia. Last evaluated: 2024-04-22. Review status: criteria provided, single submitter. Criteria: ACMG Guidelines, 2015. Collection method: clinical testing. Allele origin: germline.

Baylor Genetics
Classification: Pathogenic for Aplastic anemia. Last evaluated: 2024-03-29. Review status: criteria provided, single submitter. Criteria: ACMG Guidelines, 2015. Collection method: clinical testing. Allele origin: unknown.

Labcorp Genetics (formerly Invitae), Labcorp
Classification: Pathogenic for Familial hemophagocytic lymphohistiocytosis 2. Last evaluated: 2023-11-04. Review status: criteria provided, single submitter. Criteria: Invitae Variant Classification Sherloc (09022015). Collection method: clinical testing. Allele origin: germline.
Comment: This sequence change creates a premature translational stop signal (p.Arg390*) in the PRF1 gene. While this is not anticipated to result in nonsense mediated decay, it is expected to disrupt the last 166 amino acid(s) of the PRF1 protein. The frequency data for this variant in the population databases is considered unreliable, as metrics indicate poor data quality at this position in the gnomAD database. This premature translational stop signal has been observed in individual(s) with hemophagocytic lymphohistiocytosis (PMID: 17601962, 21152410, 29357941). ClinVar contains an entry for this variant (Variation ID: 1069592). This variant disrupts a region of the PRF1 protein in which other variant(s) (p.Cys497*) have been determined to be pathogenic (PMID: 11841437). This suggests that this is a clinically significant region of the protein, and that variants that disrupt it are likely to be disease-causing. For these reasons, this variant has been classified as Pathogenic.

PreventionGenetics, part of Exact Sciences
Classification: Pathogenic for PRF1-related condition. Last evaluated: 2024-03-18. Review status: no assertion criteria provided. Collection method: clinical testing. Allele origin: germline. Not counted in ClinVar's aggregate classification.
Comment: The PRF1 c.1168C>T variant is predicted to result in premature protein termination (p.Arg390*). This variant was reported to be causative for hemophagocytic lymphohistiocytosis (Jin et al. 2018. PubMed ID: 29357941; Sato et al. 2020. PubMed ID: 31789783). This variant is reported in 0.0055% of alleles in individuals of East Asian descent in gnomAD. Nonsense variants in PRF1 are expected to be pathogenic. This variant is interpreted as pathogenic.

Literature cited by the submitters: PubMed 17601962 (cited by Labcorp Genetics (formerly Invitae), Labcorp); PubMed 21152410 (cited by Labcorp Genetics (formerly Invitae), Labcorp); PubMed 29357941 (cited by Labcorp Genetics (formerly Invitae), Labcorp); PubMed 11841437 (cited by Labcorp Genetics (formerly Invitae), Labcorp).

NM_001083116.3(PRF1):c.1168C>T (p.Arg390Ter)

Gene: PRF1 (perforin 1; minus strand). Cytogenetic location: 10q22.1.
Variant type: single nucleotide variant.
Coding change: c.1168C>T on transcript NM_001083116.3 (MANE Select); coding-DNA position 1168, C replaced by T.
Protein change: p.Arg390Ter; replaces arginine 390 with a stop codon.
Molecular consequence: nonsense.
Genome position (GRCh38, 1-based): chr10:70,598,553, G>A on the plus strand (C>T on the coding strand, the complement: PRF1 is on the minus strand). VCF-style: chr10-70598553-G-A. GRCh37 (hg19) VCF-style: chr10-72358309-G-A.
Other names: c.1168C>T, p.Arg390Ter (NM_005041.6); c.1168C>T (NM_001083116.1); short protein forms R390*.
Identifiers: ClinVar variation 1069592 (VCV001069592.13), dbSNP rs760379846, ClinGen allele CA5538805.